The following is an entry in ClinVar:

NM_012479.4(YWHAG):c.491A>G (p.His164Arg)

Gene: YWHAG (tyrosine 3-monooxygenase/tryptophan 5-monooxygenase activation protein gamma; minus strand). Cytogenetic location: 7q11.23.
Variant type: single nucleotide variant.
Coding change: c.491A>G on transcript NM_012479.4 (MANE Select); coding-DNA position 491, A replaced by G.
Protein change: p.His164Arg; replaces histidine 164 with arginine.
Molecular consequence: missense variant.
Genome position (GRCh38, 1-based): chr7:76,329,830, T>C on the plus strand (A>G on the coding strand, the complement: YWHAG is on the minus strand). VCF-style: chr7-76329830-T-C. GRCh37 (hg19) VCF-style: chr7-75959147-T-C.
Other names: short protein forms H164R.
Identifiers: ClinVar variation 2844428 (VCV002844428.3), dbSNP rs2536180862, ClinGen allele CA367776945.

ClinVar aggregate classification (germline): Uncertain significance (1 of 4 stars; one submission).

Submission:

Labcorp Genetics (formerly Invitae), Labcorp
Classification: Uncertain significance. Last evaluated: 2024-07-08. Review status: criteria provided, single submitter. Criteria: Invitae Variant Classification Sherloc (09022015). Collection method: clinical testing. Allele origin: germline.
Comment: This sequence change replaces histidine, which is basic and polar, with arginine, which is basic and polar, at codon 164 of the YWHAG protein (p.His164Arg). This variant is not present in population databases (gnomAD no frequency). This variant has not been reported in the literature in individuals affected with YWHAG-related conditions. Advanced modeling of protein sequence and biophysical properties (such as structural, functional, and spatial information, amino acid conservation, physicochemical variation, residue mobility, and thermodynamic stability) performed at Invitae indicates that this missense variant is not expected to disrupt YWHAG protein function with a negative predictive value of 80%. In summary, the available evidence is currently insufficient to determine the role of this variant in disease. Therefore, it has been classified as a Variant of Uncertain Significance.